The following is an entry in ClinVar:

ClinVar aggregate classification (germline): Uncertain significance. Review status: criteria provided, multiple submitters, no conflicts (2 of 4 stars). 8 submissions from 7 submitters: Uncertain significance (8). Last evaluated 2026-08-01.

Conditions:
Lethal Kniest-like syndrome (DDSH). Also called: Dyssegmental Dysplasia. Identifiers: Orphanet 1865, MedGen C1857100, MONDO:0009140, OMIM 224410.
Schwartz-Jampel syndrome. Also called: Myotonic myopathy dwarfism chondrodystrophy and ocular and facial abnormalities. Identifiers: Orphanet 800, MedGen C0036391, MONDO:0009717.

Allele frequency attached by ClinVar (database versions not stated): ESP Exome Variant Server 0.00008; gnomAD exomes 0.00015 and 0.00016; gnomAD 0.00018 and 0.00019; TOPMed 0.00023; ExAC 0.00044.
gnomAD v4.1: 260 of 1,581,250 alleles (0.016%); highest among the groups gnomAD compares: Middle Eastern, 0.05%; no homozygotes.

Submissions (8):

CeGaT Center for Human Genetics Tuebingen
Classification: Uncertain significance. Last evaluated: 2026-08-01. Review status: criteria provided, single submitter. Criteria: CeGaT Center For Human Genetics Tuebingen Variant Classification Criteria Version 2. Collection method: clinical testing. Allele origin: germline. Affected: yes. Observed: 1 variant allele.
Comment: HSPG2: PM2

Blueprint Genetics
Classification: Uncertain significance. Last evaluated: 2024-09-20. Review status: criteria provided, single submitter. Criteria: ACMG Guidelines, 2015. Collection method: clinical testing. Allele origin: germline.

Labcorp Genetics (formerly Invitae), Labcorp
Classification: Uncertain significance. Last evaluated: 2023-12-11. Review status: criteria provided, single submitter. Criteria: Invitae Variant Classification Sherloc (09022015). Collection method: clinical testing. Allele origin: germline.
Comment: This sequence change replaces asparagine, which is neutral and polar, with aspartic acid, which is acidic and polar, at codon 1360 of the HSPG2 protein (p.Asn1360Asp). This variant is present in population databases (rs145185113, gnomAD 0.03%). This variant has not been reported in the literature in individuals affected with HSPG2-related conditions. ClinVar contains an entry for this variant (Variation ID: 295850). An algorithm developed to predict the effect of missense changes on protein structure and function (PolyPhen-2) suggests that this variant is likely to be disruptive. In summary, the available evidence is currently insufficient to determine the role of this variant in disease. Therefore, it has been classified as a Variant of Uncertain Significance.

AiLife Diagnostics
Classification: Uncertain significance. Last evaluated: 2020-07-08. Review status: criteria provided, single submitter. Criteria: ACMG Guidelines, 2015. Collection method: clinical testing. Allele origin: germline. Affected: yes. Observed: 1 variant allele.

Revvity Omics, Revvity
Classification: Uncertain significance. Last evaluated: 2019-07-25. Review status: criteria provided, single submitter. Criteria: ACMG Guidelines, 2015. Collection method: clinical testing. Allele origin: germline.

ARUP Laboratories, Molecular Genetics and Genomics, ARUP Laboratories
Classification: Uncertain significance. Last evaluated: 2018-11-13. Review status: criteria provided, single submitter. Criteria: ARUP Molecular Germline Variant Investigation Process. Collection method: clinical testing. Allele origin: germline.
Comment: The HSPG2 c.4078A>G; p.Asn1360Asp variant (rs145185113) is not reported in the medical literature but is reported in ClinVar (Variation ID: 295850). This variant is found in the general population with an overall allele frequency of 0.01% (32/230502 alleles) in the Genome Aggregation Database. The asparagine at codon 1360 is moderately conserved, but computational analyses (SIFT, PolyPhen-2) predict that this variant is tolerated. Due to limited information, the clinical significance of the p.Asn1360Asp variant is uncertain at this time.

Illumina Laboratory Services, Illumina
Classification: Uncertain significance for Schwartz-Jampel syndrome type 1. Last evaluated: 2018-01-13. Review status: criteria provided, single submitter. Criteria: ICSL Variant Classification Criteria 13 December 2019. Collection method: clinical testing. Allele origin: germline.

Illumina Laboratory Services, Illumina
Classification: Uncertain significance for Lethal Kniest-like syndrome. Last evaluated: 2018-01-13. Review status: criteria provided, single submitter. Criteria: ICSL Variant Classification Criteria 13 December 2019. Collection method: clinical testing. Allele origin: germline.

NM_005529.7(HSPG2):c.4078A>G (p.Asn1360Asp)

Gene: HSPG2 (heparan sulfate proteoglycan 2; minus strand). Cytogenetic location: 1p36.12.
Variant type: single nucleotide variant.
Coding change: c.4078A>G on transcript NM_005529.7 (MANE Select); coding-DNA position 4078, A replaced by G.
Protein change: p.Asn1360Asp; replaces asparagine 1360 with aspartic acid.
Molecular consequence: missense variant.
Genome position (GRCh38, 1-based): chr1:21,872,329, T>C on the plus strand (A>G on the coding strand, the complement: HSPG2 is on the minus strand). VCF-style: chr1-21872329-T-C. GRCh37 (hg19) VCF-style: chr1-22198822-T-C.
Other names: c.4081A>G, p.Asn1361Asp (NM_001291860.2); short protein forms N1360D, N1361D.
Identifiers: ClinVar variation 295850 (VCV000295850.20), dbSNP rs145185113, ClinGen allele CA672372.